The following is an entry in ClinVar:

NM_144585.4(SLC22A12):c.587T>G (p.Phe196Cys)

Gene: SLC22A12 (solute carrier family 22 member 12; plus strand). Cytogenetic location: 11q13.1.
Variant type: single nucleotide variant.
Coding change: c.587T>G on transcript NM_144585.4 (MANE Select); coding-DNA position 587, T replaced by G.
Protein change: p.Phe196Cys; replaces phenylalanine 196 with cysteine.
Molecular consequence: missense variant. On other transcripts: intron variant (3).
Genome position (GRCh38, 1-based): chr11:64,593,485, T>G. VCF-style: chr11-64593485-T-G. GRCh37 (hg19) VCF-style: chr11-64360957-T-G.
Other names: c.559+28T>G (NM_001276326.2); c.506+603T>G (NM_001276327.2); c.-2-150T>G (NM_153378.3); c.587T>G (NM_144585.2); short protein forms F196C.
Identifiers: ClinVar variation 1483073 (VCV001483073.7), dbSNP rs759664239, ClinGen allele CA6077119.

ClinVar aggregate classification (germline): Uncertain significance. Review status: criteria provided, multiple submitters, no conflicts (2 of 4 stars). 2 submissions from 2 submitters: Uncertain significance (2). Last evaluated 2025-08-12.

Conditions:
Inborn genetic diseases. Identifiers: MedGen C0950123, MeSH D030342.

Allele frequency attached by ClinVar (database versions not stated): gnomAD exomes below 0.00001 and 0.00002; TOPMed below 0.00001; ExAC 0.00001; gnomAD 0.00001.
gnomAD v4.1: 7 of 1,614,058 alleles (0.00043%); highest among the groups gnomAD compares: Non-Finnish European, 0.00059%; no homozygotes.

Submissions (2):

Ambry Genetics
Classification: Uncertain significance for Inborn genetic diseases. Last evaluated: 2025-08-12. Review status: criteria provided, single submitter. Criteria: Ambry Variant Classification Scheme 2023. Collection method: clinical testing. Allele origin: germline.

Labcorp Genetics (formerly Invitae), Labcorp
Classification: Uncertain significance. Last evaluated: 2021-10-25. Review status: criteria provided, single submitter. Criteria: Invitae Variant Classification Sherloc (09022015). Collection method: clinical testing. Allele origin: germline.
Comment: This variant has not been reported in the literature in individuals affected with SLC22A12-related conditions. Algorithms developed to predict the effect of missense changes on protein structure and function (SIFT, PolyPhen-2, Align-GVGD) all suggest that this variant is likely to be disruptive. In summary, the available evidence is currently insufficient to determine the role of this variant in disease. Therefore, it has been classified as a Variant of Uncertain Significance. This variant is present in population databases (rs759664239, gnomAD 0.004%). This sequence change replaces phenylalanine, which is neutral and non-polar, with cysteine, which is neutral and slightly polar, at codon 196 of the SLC22A12 protein (p.Phe196Cys).